The following is an entry in ClinVar:

ClinVar aggregate classification (germline): Likely benign. Review status: criteria provided, multiple submitters, no conflicts (2 of 4 stars). 3 submissions from 3 submitters: Likely benign (3). Last evaluated 2025-10-20.

Conditions:
KBG syndrome (KBGS). Also called: ANKRD11-Related KBG Syndrome. Identifiers: Orphanet 2332, MedGen C0220687, MONDO:0007846, OMIM 148050.

Allele frequency attached by ClinVar (database versions not stated): ExAC 0.00003; TOPMed 0.00005; gnomAD 0.00006; gnomAD exomes 0.00012.
gnomAD v4.1: 178 of 1,612,338 alleles (0.011%); highest among the groups gnomAD compares: East Asian, 0.2%; no homozygotes.

Submissions (3):

Labcorp Genetics (formerly Invitae), Labcorp
Classification: Likely benign for KBG syndrome. Last evaluated: 2025-10-20. Review status: criteria provided, single submitter. Criteria: Invitae Variant Classification Sherloc (09022015). Collection method: clinical testing. Allele origin: germline.

CeGaT Center for Human Genetics Tuebingen
Classification: Likely benign. Last evaluated: 2024-04-01. Review status: criteria provided, single submitter. Criteria: CeGaT Center For Human Genetics Tuebingen Variant Classification Criteria Version 2. Collection method: clinical testing. Allele origin: germline. Affected: yes. Observed: 1 variant allele.
Comment: ANKRD11: BP4, BP7

Blueprint Genetics
Classification: Likely benign. Last evaluated: 2021-06-16. Review status: criteria provided, single submitter. Criteria: ACMG Guidelines, 2015. Collection method: clinical testing. Allele origin: germline.

NM_013275.6(ANKRD11):c.5778G>A (p.Pro1926=)

Gene: ANKRD11 (ankyrin repeat domain 11; minus strand). Cytogenetic location: 16q24.3.
Variant type: single nucleotide variant.
Coding change: c.5778G>A on transcript NM_013275.6 (MANE Select); coding-DNA position 5778, G replaced by A.
Protein change: p.Pro1926=; no amino-acid change (proline 1926 retained).
Molecular consequence: synonymous variant.
Genome position (GRCh38, 1-based): chr16:89,280,764, C>T on the plus strand (G>A on the coding strand, the complement: ANKRD11 is on the minus strand). VCF-style: chr16-89280764-C-T. GRCh37 (hg19) VCF-style: chr16-89347172-C-T.
Other names: c.5778G>A, p.Pro1926= (NM_001256182.2, NM_001256183.2).
Identifiers: ClinVar variation 2872555 (VCV002872555.24), dbSNP rs757242595, ClinGen allele CA8241722.
Genomic context (GRCh38, chr16:89,280,764, plus strand): 5'-CTCCTCGGTGATGACGGCGCTGAAGGGACCCTCGTCCAGCGGCTCCAGGTAGCTGGGCTC[C>T]GGGGGGATGATGGCGGCCGTCGCCTGCTGGTCCTCGGAGGTGTCCAGGTCCGGGGGAAGG-3'
Protein context (NP_037407.4, residues 1916-1936): DQQATAAIIP[Pro1926=]EPSYLEPLDE